The following is an entry in ClinVar:

ClinVar aggregate classification (germline): Pathogenic (1 of 4 stars; one submission).

Conditions:
Vici syndrome (VICIS). Identifiers: Orphanet 1493, MedGen C1855772, MONDO:0009452, OMIM 242840.

Submission:

Labcorp Genetics (formerly Invitae), Labcorp
Classification: Pathogenic for Vici syndrome. Last evaluated: 2024-05-11. Review status: criteria provided, single submitter. Criteria: Invitae Variant Classification Sherloc (09022015). Collection method: clinical testing. Allele origin: germline.
Comment: This sequence change creates a premature translational stop signal (p.Thr1056Glnfs*21) in the EPG5 gene. It is expected to result in an absent or disrupted protein product. Loss-of-function variants in EPG5 are known to be pathogenic (PMID: 23222957, 23674064). This variant is not present in population databases (gnomAD no frequency). This variant has not been reported in the literature in individuals affected with EPG5-related conditions. For these reasons, this variant has been classified as Pathogenic.

Literature cited by the submitters: PubMed 23222957; PubMed 23674064.

NM_020964.3(EPG5):c.3166del (p.Thr1056fs)

Gene: EPG5 (ectopic P-granules 5 autophagy tethering factor; minus strand). Cytogenetic location: 18q21.1.
Variant type: Deletion.
Coding change: c.3166del on transcript NM_020964.3 (MANE Select); coding-DNA position 3166, one base deleted (A; older notation c.3166delA).
Protein change: p.Thr1056fs; shifts the reading frame from threonine 1056.
Molecular consequence: frameshift variant.
Genome position (GRCh38, 1-based): chr18:45,917,752, T deleted on the plus strand (A on the coding strand, the reverse complement: EPG5 is on the minus strand); the first of 2 consecutive T bases (chr18:45,917,752-45,917,753); deleting either gives the same sequence. VCF-style (leftmost placement, unchanged base first): chr18-45917751-GT-G. GRCh37 (hg19) VCF-style: chr18-43497716-GT-G.
Other names: c.3166del, p.Thr1056fs (NM_001410858.1, NM_001410859.1); short protein forms T1056fs.
Identifiers: ClinVar variation 3648700 (VCV003648700.2).
Genomic context (GRCh38, chr18:45,917,751, plus strand): 5'-AGAAGGTAATACTGGCAAGGGTAAAATAAAGGCAGAATCTTATCCAGGACATGAACCACT[GT>G]TCTCAAATGTCTTGACTGGACCAGAATTCCCAATAGTGGGATGCCTTCTGCACAGAACTT-3'